The following is an entry in ClinVar:

NM_001103.4(ACTN2):c.1292C>T (p.Ser431Leu)

Gene: ACTN2 (actinin alpha 2; plus strand). Cytogenetic location: 1q43.
Variant type: single nucleotide variant.
Coding change: c.1292C>T on transcript NM_001103.4 (MANE Select); coding-DNA position 1292, C replaced by T.
Protein change: p.Ser431Leu; replaces serine 431 with leucine.
Molecular consequence: missense variant.
Genome position (GRCh38, 1-based): chr1:236,744,662, C>T. VCF-style: chr1-236744662-C-T. GRCh37 (hg19) VCF-style: chr1-236907962-C-T.
Other names: c.1292C>T, p.Ser431Leu (NM_001278343.2); c.668C>T, p.Ser223Leu (NM_001278344.2); short protein forms S431L, S223L.
Identifiers: ClinVar variation 429637 (VCV000429637.22), dbSNP rs149846886, ClinGen allele CA1473111.
Genomic context (GRCh38, chr1:236,744,662, plus strand): 5'-ACTTTCTTGCTACCACCTTTGCAGGCAAAGAGCAGATCTTGCTGCAGAAGGATTACGAGT[C>T]GGCGTCGCTGACAGAGGTGCGGGCTCTGCTGCGGAAGCACGAGGCGTTCGAGAGCGACCT-3'
Protein context (NP_001094.1, residues 421-441): EQILLQKDYE[Ser431Leu]ASLTEVRALL

ClinVar aggregate classification (germline): Conflicting classifications of pathogenicity. Review status: criteria provided, conflicting classifications (1 of 4 stars). 6 submissions from 6 submitters: Uncertain significance (1); Benign (1); Likely benign (3). 1 of the submissions does not count toward it. Last evaluated 2026-01-26.

Conditions:
Cardiovascular phenotype. Identifiers: MedGen CN230736.
ACTN2-related disorder. Also called: ACTN2 related condition; ACTN2-related disorders.
Dilated cardiomyopathy 1AA (CMD1AA). Also called: Cardiomyopathy, dilated, 1AA, with or without LVNC; CARDIOMYOPATHY, DILATED, 1AA, WITH OR WITHOUT LEFT VENTRICULAR NONCOMPACTION; CARDIOMYOPATHY, FAMILIAL HYPERTROPHIC, 23, WITH OR WITHOUT LEFT VENTRICULAR NONCOMPACTION. Identifiers: Orphanet 154, MedGen C2677338, MONDO:0012808, OMIM 612158.
Primary familial hypertrophic cardiomyopathy (HCM). Identifiers: Orphanet 99739, MedGen C0949658, MeSH D024741, MONDO:0024573. Inheritance: Various modes of inheritance.

Allele frequency attached by ClinVar (database versions not stated): gnomAD 0.00009 and 0.00013; gnomAD exomes 0.00014 and 0.00028; TOPMed 0.00017; ESP Exome Variant Server 0.00023; 1000 Genomes Project 30x 0.00031; ExAC 0.00036; 1000 Genomes Project 0.00040.
gnomAD v4.1: 229 of 1,614,198 alleles (0.014%); highest among the groups gnomAD compares: South Asian, 0.19%; 1 homozygote.

Submissions (6):

Labcorp Genetics (formerly Invitae), Labcorp
Classification: Likely benign for Primary familial hypertrophic cardiomyopathy; Dilated cardiomyopathy 1AA. Last evaluated: 2026-01-26. Review status: criteria provided, single submitter. Criteria: Invitae Variant Classification Sherloc (09022015). Collection method: clinical testing. Allele origin: germline.

Ambry Genetics
Classification: Benign for Cardiovascular phenotype. Last evaluated: 2022-04-09. Review status: criteria provided, single submitter. Criteria: Ambry Variant Classification Scheme 2023. Collection method: clinical testing. Allele origin: germline.

Molecular Diagnostic Laboratory for Inherited Cardiovascular Disease, Montreal Heart Institute
Classification: Likely benign. Last evaluated: 2020-03-27. Review status: criteria provided, single submitter. Criteria: ACMG Guidelines, 2015. Collection method: clinical testing. Allele origin: germline. Affected: yes.

Women's Health and Genetics/Laboratory Corporation of America, LabCorp
Classification: Likely benign. Last evaluated: 2019-08-05. Review status: criteria provided, single submitter. Criteria: LabCorp Variant Classification Summary - May 2015. Collection method: clinical testing. Allele origin: germline.
Comment: Variant summary: ACTN2 c.1292C>T (p.Ser431Leu) results in a non-conservative amino acid change located in the Spectrin repeat domain (IPR002017) of the encoded protein sequence. Three of five in-silico tools predict a benign effect of the variant on protein function. The variant allele was found at a frequency of 0.00028 in 251310 control chromosomes, predominantly at a frequency of 0.0018 within the South Asian subpopulation in the gnomAD database. The observed variant frequency within South Asian control individuals in the gnomAD database is approximately 72 fold of the estimated maximal expected allele frequency for a pathogenic variant in ACTN2 causing Cardiomyopathy phenotype (2.5e-05), strongly suggesting that the variant is a benign polymorphism found primarily in populations of South Asian origin. c.1292C>T has been reported in the literature as a VUS in individuals affected with SIDS (Sahlin_2019). These report(s) do not provide unequivocal conclusions about association of the variant with Cardiomyopathy. To our knowledge, no experimental evidence demonstrating an impact on protein function has been reported. Two clinical diagnostic laboratories have submitted clinical-significance assessments for this variant to ClinVar after 2014 without evidence for independent evaluation. All laboratories classified the variant as uncertain significance. Based on the evidence outlined above, the variant was classified as likely benign.

GeneDx
Classification: Uncertain significance. Last evaluated: 2018-02-08. Review status: criteria provided, single submitter. Criteria: GeneDx Variant Classification (06012015). Collection method: clinical testing. Allele origin: germline. Affected: yes.
Comment: A variant of uncertain significance has been identified in the ACTN2 gene. The S431L variant has not been previously published in association with cardiomyopathy to our knowledge. The S431L variant is a non-conservative amino acid substitution, which is likely to impact secondary protein structure as these residues differ in polarity, charge, size and/or other properties. This substitution occurs at a position that is conserved in mammals and in silico analysis predicts this variant is probably damaging to the protein structure/function. Nevertheless, the S431L variant is observed in 34/16406 (0.21%) alleles from individuals of South Asian ancestry in large population cohorts (Lek et al., 2016; 1000 Genomes Consortium et al., 2015; Exome Variant Server).

PreventionGenetics, part of Exact Sciences
Classification: Likely benign for ACTN2-related condition. Last evaluated: 2023-02-20. Review status: no assertion criteria provided. Collection method: clinical testing. Allele origin: germline. Not counted in ClinVar's aggregate classification.
Comment: This variant is classified as likely benign based on ACMG/AMP sequence variant interpretation guidelines (Richards et al. 2015 PMID: 25741868, with internal and published modifications).

Literature cited by the submitters: PubMed 30615648 (cited by Ambry Genetics and Women's Health and Genetics/Laboratory Corporation of America, LabCorp).